The following is an entry in ClinVar:

NM_001113378.2(FANCI):c.3254G>T (p.Cys1085Phe)

Gene: FANCI (FA complementation group I; plus strand). Cytogenetic location: 15q26.1.
Variant type: single nucleotide variant.
Coding change: c.3254G>T on transcript NM_001113378.2 (MANE Select); coding-DNA position 3254, G replaced by T.
Protein change: p.Cys1085Phe; replaces cysteine 1085 with phenylalanine.
Molecular consequence: missense variant.
Genome position (GRCh38, 1-based): chr15:89,305,408, G>T. VCF-style: chr15-89305408-G-T. GRCh37 (hg19) VCF-style: chr15-89848639-G-T.
Other names: c.2975G>T, p.Cys992Phe (NM_001376910.1); c.3254G>T, p.Cys1085Phe (NM_001376911.1); c.3074G>T, p.Cys1025Phe (NM_018193.3); short protein forms C1025F, C992F, C1085F.
Identifiers: ClinVar variation 845337 (VCV000845337.6), dbSNP rs533779983, ClinGen allele CA393739811.

ClinVar aggregate classification (germline): Uncertain significance (1 of 4 stars; one submission).

Conditions:
Fanconi anemia (FA). Also called: Fanconi's anemia. Identifiers: Orphanet 84, MedGen C0015625, MeSH D005199, MONDO:0019391.

Allele frequency attached by ClinVar (database versions not stated): gnomAD below 0.00001.
gnomAD v4.1: 2 of 1,613,318 alleles (0.00012%); highest among the groups gnomAD compares: South Asian, 0.0011%; no homozygotes.

Submission:

Labcorp Genetics (formerly Invitae), Labcorp
Classification: Uncertain significance for Fanconi anemia. Last evaluated: 2021-08-24. Review status: criteria provided, single submitter. Criteria: Invitae Variant Classification Sherloc (09022015). Collection method: clinical testing. Allele origin: germline.
Comment: This sequence change replaces cysteine with phenylalanine at codon 1085 of the FANCI protein (p.Cys1085Phe). The cysteine residue is moderately conserved and there is a large physicochemical difference between cysteine and phenylalanine. This variant is not present in population databases (ExAC no frequency). This variant has not been reported in the literature in individuals affected with FANCI-related conditions. Algorithms developed to predict the effect of missense changes on protein structure and function are either unavailable or do not agree on the potential impact of this missense change (SIFT: "Deleterious"; PolyPhen-2: "Possibly Damaging"; Align-GVGD: "Class C0"). In summary, the available evidence is currently insufficient to determine the role of this variant in disease. Therefore, it has been classified as a Variant of Uncertain Significance.